The following is an entry in ClinVar:

ClinVar aggregate classification (germline): Uncertain significance (1 of 4 stars; one submission).

Conditions:
Hereditary cancer-predisposing syndrome. Also called: Neoplastic Syndromes, Hereditary; Hereditary Cancer Syndrome; Tumor predisposition; Hereditary neoplastic syndrome. Identifiers: Orphanet 140162, MedGen C0027672, MeSH D009386, MONDO:0015356.

Submission:

Ambry Genetics
Classification: Uncertain significance for Hereditary cancer-predisposing syndrome. Last evaluated: 2025-01-29. Review status: criteria provided, single submitter. Criteria: Ambry Variant Classification Scheme 2023. Collection method: clinical testing. Allele origin: germline.
Comment: The p.L62F variant (also known as c.186G>T), located in coding exon 2 of the SUFU gene, results from a G to T substitution at nucleotide position 186. The leucine at codon 62 is replaced by phenylalanine, an amino acid with highly similar properties. This amino acid position is conserved. In addition, this alteration is predicted to be deleterious by in silico analysis. Based on the available evidence, the clinical significance of this variant remains unclear.

NM_016169.4(SUFU):c.186G>T (p.Leu62Phe)

Gene: SUFU (SUFU negative regulator of hedgehog signaling; plus strand). Cytogenetic location: 10q24.32.
Variant type: single nucleotide variant.
Coding change: c.186G>T on transcript NM_016169.4 (MANE Select); coding-DNA position 186, G replaced by T.
Protein change: p.Leu62Phe; replaces leucine 62 with phenylalanine.
Molecular consequence: missense variant.
Genome position (GRCh38, 1-based): chr10:102,509,172, G>T. VCF-style: chr10-102509172-G-T. GRCh37 (hg19) VCF-style: chr10-104268929-G-T.
Other names: c.186G>T, p.Leu62Phe (NM_001178133.2); short protein forms L62F.
Identifiers: ClinVar variation 3802897 (VCV003802897.1).